The following is an entry in ClinVar:

ClinVar aggregate classification (germline): Pathogenic (1 of 4 stars; one submission).

Conditions:
Primary ciliary dyskinesia. Also called: Ciliary dyskinesia. Identifiers: Orphanet 244, MedGen C0008780, MONDO:0016575, HP:0012265.

Submission:

Labcorp Genetics (formerly Invitae), Labcorp
Classification: Pathogenic for Primary ciliary dyskinesia. Last evaluated: 2019-11-12. Review status: criteria provided, single submitter. Criteria: Invitae Variant Classification Sherloc (09022015). Collection method: clinical testing. Allele origin: germline.
Comment: For these reasons, this variant has been classified as Pathogenic. Loss-of-function variants in DNAH5 are known to be pathogenic (PMID: 11788826, 16627867). This finding is consistent with autosomal recessive inheritance, and suggests that this variant contributes to disease. This variant results in the deletion of exons 33-36 and part of exon 37 (c.5272-955_6197del) of the DNAH5 gene. It is expected to disrupt RNA splicing and likely results in an absent or disrupted protein product.

Literature cited by the submitters: PubMed 11788826; PubMed 16627867.

NC_000005.10:g.(?_13830078)_(13842859_?)del

Gene: DNAH5 (dynein axonemal heavy chain 5; minus strand). Cytogenetic location: 5p15.2.
Variant type: Deletion.
Identifiers: ClinVar variation 831792 (VCV000831792.13).